The following is an entry in ClinVar:

NM_201384.3(PLEC):c.1271G>A (p.Arg424Gln)

Gene: PLEC (plectin; minus strand). Cytogenetic location: 8q24.3.
Variant type: single nucleotide variant.
Coding change: c.1271G>A on transcript NM_201384.3 (MANE Select); coding-DNA position 1271, G replaced by A.
Protein change: p.Arg424Gln; replaces arginine 424 with glutamine.
Molecular consequence: missense variant.
Genome position (GRCh38, 1-based): chr8:143,933,344, C>T on the plus strand (G>A on the coding strand, the complement: PLEC is on the minus strand). VCF-style: chr8-143933344-C-T. GRCh37 (hg19) VCF-style: chr8-145007512-C-T.
Other names: c.1352G>A (NM_000445.4); c.1352G>A, p.Arg451Gln (NM_000445.5); c.1229G>A, p.Arg410Gln (NM_201378.4); c.1205G>A, p.Arg402Gln (NM_201379.3); c.1682G>A, p.Arg561Gln (NM_201380.4); c.1175G>A, p.Arg392Gln (NM_201381.3); c.1271G>A, p.Arg424Gln (NM_201382.4); c.1283G>A, p.Arg428Gln (NM_201383.3); short protein forms R392Q, R402Q, R410Q, R424Q, R428Q, R451Q, R561Q.
Identifiers: ClinVar variation 450318 (VCV000450318.8), dbSNP rs199965040, ClinGen allele CA4928030.

ClinVar aggregate classification (germline): Uncertain significance. Review status: criteria provided, multiple submitters, no conflicts (2 of 4 stars). 3 submissions from 3 submitters: Uncertain significance (3). Last evaluated 2025-11-27.

Conditions:
PLEC-related disorder. Also called: PLEC-related disorders; PLEC-related condition.
Autosomal recessive limb-girdle muscular dystrophy type 2Q (LGMDR17). Also called: MUSCULAR DYSTROPHY, LIMB-GIRDLE, AUTOSOMAL RECESSIVE 17. Identifiers: Orphanet 254361, MedGen C3150989, MONDO:0013390, OMIM 613723.
Epidermolysis bullosa simplex with nail dystrophy (EBS5D). Identifiers: MedGen C4225309, MONDO:0014661, OMIM 616487.
Epidermolysis bullosa simplex 5C, with pyloric atresia (EBS5C). Also called: PLEC-Related Epidermolysis Bullosa with Pyloric Atresia; Epidermolysis bullosa simplex with pyloric atresia; PLEC1-Related Epidermolysis Bullosa with Pyloric Atresia. Identifiers: Orphanet 158684, MedGen C2677349, MONDO:0012807, OMIM 612138.
Epidermolysis bullosa simplex, Ogna type (EBS5A). Also called: Pidermolysis bullosa simplex 5A, Ogna type; EPIDERMOLYSIS BULLOSA SIMPLEX 5A, OGNA TYPE. Identifiers: Orphanet 79401, MedGen C0432317, MONDO:0007555, OMIM 131950.
Epidermolysis bullosa simplex 5B, with muscular dystrophy (EBS5B). Also called: EPIDERMOLYSIS BULLOSA SIMPLEX AND LIMB-GIRDLE MUSCULAR DYSTROPHY; Epidermolysis bullosa simplex with muscular dystrophy. Identifiers: Orphanet 257, MedGen C2931072, MONDO:0009181, OMIM 226670.

Allele frequency attached by ClinVar (database versions not stated): gnomAD 0.00004; ExAC 0.00005; gnomAD exomes 0.00005 and 0.00008; TOPMed 0.00005; 1000 Genomes Project 0.00020; 1000 Genomes Project 30x 0.00016.
gnomAD v4.1: 72 of 1,611,166 alleles (0.0045%); highest among the groups gnomAD compares: Admixed American, 0.018%; no homozygotes.

Submissions (3):

Labcorp Genetics (formerly Invitae), Labcorp
Classification: Uncertain significance for Autosomal recessive limb-girdle muscular dystrophy type 2Q; Epidermolysis bullosa simplex, Ogna type; Epidermolysis bullosa simplex with nail dystrophy; Epidermolysis bullosa simplex 5C, with pyloric atresia; Epidermolysis bullosa simplex 5B, with muscular dystrophy. Last evaluated: 2025-11-27. Review status: criteria provided, single submitter. Criteria: Invitae Variant Classification Sherloc (09022015). Collection method: clinical testing. Allele origin: germline.
Comment: This sequence change replaces arginine, which is basic and polar, with glutamine, which is neutral and polar, at codon 451 of the PLEC protein (p.Arg451Gln). This variant is present in population databases (rs199965040, gnomAD 0.03%). This variant has not been reported in the literature in individuals affected with PLEC-related conditions. ClinVar contains an entry for this variant (Variation ID: 450318). Experimental studies and prediction algorithms are not available or were not evaluated, and the functional significance of this variant is currently unknown. In summary, the available evidence is currently insufficient to determine the role of this variant in disease. Therefore, it has been classified as a Variant of Uncertain Significance.

PreventionGenetics, part of Exact Sciences
Classification: Uncertain significance for PLEC-related condition. Last evaluated: 2025-09-18. Review status: criteria provided, single submitter. Criteria: ACMG Guidelines, 2015. Collection method: clinical testing. Allele origin: germline.
Comment: The PLEC c.1352G>A variant is predicted to result in the amino acid substitution p.Arg451Gln. To our knowledge, this variant has not been reported in the literature. This variant is reported in 0.028% of alleles in individuals of Latino descent in gnomAD. At this time, the clinical significance of this variant is uncertain due to the absence of conclusive functional and genetic evidence.

GeneDx
Classification: Uncertain significance. Last evaluated: 2017-07-20. Review status: criteria provided, single submitter. Criteria: GeneDx Variant Classification (06012015). Collection method: clinical testing. Allele origin: germline. Affected: yes.
Comment: The R451Q variant has not been published as a pathogenic variant, nor has it been reported as a benign variant to our knowledge. The R451Q variant is observed in 5/65,628 (0.008%) alleles from individuals of European background (Lek et al., 2016; 1000 Genomes Consortium et al., 2015; Exome Variant Server). This variant is a semi-conservative amino acid substitution, which may impact secondary protein structure as these residues differ in some properties. Additionally, this substitution occurs at a position that is conserved across species. However, most reported pathogenic variants in the PLEC gene are truncating/loss-of-function. In silico analysis is inconsistent in its predictions as to whether or not the variant is damaging to the protein structure/function.